The following is an entry in ClinVar:

ClinVar aggregate classification (germline): Conflicting classifications of pathogenicity. Review status: criteria provided, conflicting classifications (1 of 4 stars). 3 submissions from 3 submitters: Uncertain significance (2); Benign (1). Last evaluated 2025-09-09.

Conditions:
Hereditary cancer-predisposing syndrome. Also called: Neoplastic Syndromes, Hereditary; Hereditary Cancer Syndrome; Hereditary neoplastic syndrome; Tumor predisposition. Identifiers: Orphanet 140162, MedGen C0027672, MeSH D009386, MONDO:0015356.
Familial adenomatous polyposis 2. Also called: Adenomas, multiple colorectal; MUTYH Polyposis; COLORECTAL ADENOMATOUS POLYPOSIS, AUTOSOMAL RECESSIVE; ADENOMAS, MULTIPLE COLORECTAL, AUTOSOMAL RECESSIVE; FAP type 2; MUTYH-associated polyposis. Identifiers: Orphanet 220460, Orphanet 247798, MedGen C3272841, MONDO:0012041, OMIM 608456.

gnomAD v4.1: 1 of 1,614,248 alleles (0.000062%); highest among the groups gnomAD compares: Non-Finnish European, 0.000085%; no homozygotes.

Submissions (3):

Ambry Genetics
Classification: Benign for Hereditary cancer-predisposing syndrome. Last evaluated: 2025-09-09. Review status: criteria provided, single submitter. Criteria: Ambry Variant Classification Scheme 2023. Collection method: clinical testing. Allele origin: germline.

Labcorp Genetics (formerly Invitae), Labcorp
Classification: Uncertain significance for Familial adenomatous polyposis 2. Last evaluated: 2024-08-01. Review status: criteria provided, single submitter. Criteria: Invitae Variant Classification Sherloc (09022015). Collection method: clinical testing. Allele origin: germline.
Comment: This sequence change replaces glutamine, which is neutral and polar, with histidine, which is basic and polar, at codon 106 of the MUTYH protein (p.Gln106His). This variant is not present in population databases (gnomAD no frequency). This variant has not been reported in the literature in individuals affected with MUTYH-related conditions. ClinVar contains an entry for this variant (Variation ID: 1063106). An algorithm developed to predict the effect of missense changes on protein structure and function (PolyPhen-2) suggests that this variant is likely to be tolerated. In summary, the available evidence is currently insufficient to determine the role of this variant in disease. Therefore, it has been classified as a Variant of Uncertain Significance.

Color Diagnostics, LLC DBA Color Health
Classification: Uncertain significance for Hereditary cancer-predisposing syndrome. Last evaluated: 2023-11-20. Review status: criteria provided, single submitter. Criteria: ACMG Guidelines, 2015. Collection method: clinical testing. Allele origin: germline.
Comment: This missense variant replaces glutamine with histidine at codon 106 of the MUTYH protein. Computational prediction suggests that this variant may not impact protein structure and function (internally defined REVEL score threshold <= 0.5, PMID: 27666373). To our knowledge, functional studies have not been reported for this variant. This variant has not been reported in individuals affected with MUTYH-related disorders in the literature. This variant has not been identified in the general population by the Genome Aggregation Database (gnomAD). The available evidence is insufficient to determine the role of this variant in disease conclusively. Therefore, this variant is classified as a Variant of Uncertain Significance.

NM_001048174.2(MUTYH):c.234A>C (p.Gln78His)

Gene: MUTYH (mutY DNA glycosylase; minus strand). Cytogenetic location: 1p34.1.
Variant type: single nucleotide variant.
Coding change: c.234A>C on transcript NM_001048174.2 (MANE Select); coding-DNA position 234, A replaced by C.
Protein change: p.Gln78His; replaces glutamine 78 with histidine.
Molecular consequence: missense variant. On other transcripts: 5 prime UTR variant (4), non-coding transcript variant (2).
Genome position (GRCh38, 1-based): chr1:45,333,443, T>G on the plus strand (A>C on the coding strand, the complement: MUTYH is on the minus strand). VCF-style: chr1-45333443-T-G. GRCh37 (hg19) VCF-style: chr1-45799115-T-G.
Other names: c.234A>C, p.Gln78His (NM_001048171.2, NM_001048173.2, NM_001293195.2); c.237A>C, p.Gln79His (NM_001048172.2); c.318A>C, p.Gln106His (NM_001128425.2); c.279A>C, p.Gln93His (NM_001293190.2); c.267A>C, p.Gln89His (NM_001293191.2); c.-43A>C (NM_001293192.2, NM_001293196.2); c.-38A>C (NM_001350650.2, NM_001350651.2); c.309A>C, p.Gln103His (NM_012222.3); short protein forms Q103H, Q106H, Q78H, Q79H, Q89H, Q93H.
Identifiers: ClinVar variation 1063106 (VCV001063106.12), dbSNP rs2149172789, ClinGen allele CA340136389.